The following is an entry in ClinVar:

NM_000245.4(MET):c.1073A>C (p.Asp358Ala)

Gene: MET (MET proto-oncogene, receptor tyrosine kinase; plus strand). Cytogenetic location: 7q31.2.
Variant type: single nucleotide variant.
Coding change: c.1073A>C on transcript NM_000245.4 (MANE Select); coding-DNA position 1073, A replaced by C.
Protein change: p.Asp358Ala; replaces aspartic acid 358 with alanine.
Molecular consequence: missense variant. On other transcripts: intron variant (1).
Genome position (GRCh38, 1-based): chr7:116,700,157, A>C. VCF-style: chr7-116700157-A-C. GRCh37 (hg19) VCF-style: chr7-116340211-A-C.
Other names: c.1073A>C, p.Asp358Ala (NM_001127500.3, NM_001324401.3); c.-91+27580A>C (NM_001324402.2); short protein forms D358A.
Identifiers: ClinVar variation 835214 (VCV000835214.12), dbSNP rs1326405747, ClinGen allele CA368970481.
Genomic context (GRCh38, chr7:116,700,157, plus strand): 5'-ATGATGACATTCTTTTCGGGGTGTTCGCACAAAGCAAGCCAGATTCTGCCGAACCAATGG[A>C]TCGATCTGCCATGTGTGCATTCCCTATCAAATATGTCAACGACTTCTTCAACAAGATCGT-3'
Protein context (NP_000236.2, residues 348-368): QSKPDSAEPM[Asp358Ala]RSAMCAFPIK

ClinVar aggregate classification (germline): Conflicting classifications of pathogenicity. Review status: criteria provided, conflicting classifications (1 of 4 stars). 2 submissions from 2 submitters: Uncertain significance (1); Likely benign (1). Last evaluated 2025-03-29.

Conditions:
Renal cell carcinoma. Identifiers: Orphanet 217071, MedGen C0007134, MeSH D002292, MONDO:0005086, HP:0005584.
Hereditary cancer-predisposing syndrome. Also called: Hereditary neoplastic syndrome; Neoplastic Syndromes, Hereditary; Tumor predisposition; Hereditary Cancer Syndrome. Identifiers: Orphanet 140162, MedGen C0027672, MeSH D009386, MONDO:0015356.

Allele frequency attached by ClinVar (database versions not stated): gnomAD exomes below 0.00001; TOPMed below 0.00001.

Submissions (2):

Labcorp Genetics (formerly Invitae), Labcorp
Classification: Uncertain significance for Renal cell carcinoma. Last evaluated: 2025-03-29. Review status: criteria provided, single submitter. Criteria: Invitae Variant Classification Sherloc (09022015). Collection method: clinical testing. Allele origin: germline.
Comment: This sequence change replaces aspartic acid, which is acidic and polar, with alanine, which is neutral and non-polar, at codon 358 of the MET protein (p.Asp358Ala). This variant is present in population databases (no rsID available, gnomAD 0.0009%). This variant has not been reported in the literature in individuals affected with MET-related conditions. ClinVar contains an entry for this variant (Variation ID: 835214). Invitae Evidence Modeling of protein sequence and biophysical properties (such as structural, functional, and spatial information, amino acid conservation, physicochemical variation, residue mobility, and thermodynamic stability) indicates that this missense variant is not expected to disrupt MET protein function with a negative predictive value of 80%. In summary, the available evidence is currently insufficient to determine the role of this variant in disease. Therefore, it has been classified as a Variant of Uncertain Significance.

Ambry Genetics
Classification: Likely benign for Hereditary cancer-predisposing syndrome. Last evaluated: 2024-02-29. Review status: criteria provided, single submitter. Criteria: Ambry Variant Classification Scheme 2023. Collection method: clinical testing. Allele origin: germline.